The following is an entry in ClinVar:

NM_000540.3(RYR1):c.11755G>T (p.Val3919Leu)

Gene: RYR1 (ryanodine receptor 1; plus strand). Cytogenetic location: 19q13.2.
Variant type: single nucleotide variant.
Coding change: c.11755G>T on transcript NM_000540.3 (MANE Select); coding-DNA position 11755, G replaced by T.
Protein change: p.Val3919Leu; replaces valine 3919 with leucine.
Molecular consequence: missense variant.
Genome position (GRCh38, 1-based): chr19:38,543,412, G>T. VCF-style: chr19-38543412-G-T. GRCh37 (hg19) VCF-style: chr19-39034052-G-T.
Other names: c.11740G>T, p.Val3914Leu (NM_001042723.2); short protein forms V3919L, V3914L.
Identifiers: ClinVar variation 2816031 (VCV002816031.3), dbSNP rs2514575114, ClinGen allele CA405661339.

ClinVar aggregate classification (germline): Uncertain significance (1 of 4 stars; one submission).

Conditions:
RYR1-related disorder. Also called: RYR1-related condition; RYR1-related disorders. Identifiers: MedGen CN239331.

Submission:

Labcorp Genetics (formerly Invitae), Labcorp
Classification: Uncertain significance for RYR1-related disorder. Last evaluated: 2023-01-17. Review status: criteria provided, single submitter. Criteria: Invitae Variant Classification Sherloc (09022015). Collection method: clinical testing. Allele origin: germline.
Comment: In summary, the available evidence is currently insufficient to determine the role of this variant in disease. Therefore, it has been classified as a Variant of Uncertain Significance. Algorithms developed to predict the effect of missense changes on protein structure and function (SIFT, PolyPhen-2, Align-GVGD) all suggest that this variant is likely to be tolerated. This variant has not been reported in the literature in individuals affected with RYR1-related conditions. This variant is not present in population databases (gnomAD no frequency). This sequence change replaces valine, which is neutral and non-polar, with leucine, which is neutral and non-polar, at codon 3919 of the RYR1 protein (p.Val3919Leu).